The following is an entry in ClinVar:

ClinVar aggregate classification (germline): Benign/Likely benign. Review status: criteria provided, multiple submitters, no conflicts (2 of 4 stars). 2 submissions from 2 submitters: Benign (1); Likely benign (1). Last evaluated 2025-05-04.

Conditions:
Breast-ovarian cancer, familial, susceptibility to, 3. Also called: RAD51C-Related Breast/Ovarian Cancer. Identifiers: Orphanet 145, MedGen C3150659, MONDO:0013253, OMIM 613399.
Fanconi anemia complementation group O. Also called: RAD51C-Related Fanconi Anemia. Identifiers: Orphanet 84, MedGen C3150653, MONDO:0013248, OMIM 613390.

Submissions (2):

Labcorp Genetics (formerly Invitae), Labcorp
Classification: Likely benign for Fanconi anemia complementation group O. Last evaluated: 2025-05-04. Review status: criteria provided, single submitter. Criteria: Invitae Variant Classification Sherloc (09022015). Collection method: clinical testing. Allele origin: germline.

Myriad Genetics, Inc.
Classification: Benign for Breast-ovarian cancer, familial, susceptibility to, 3. Last evaluated: 2025-02-18. Review status: criteria provided, single submitter. Criteria: Myriad Autosomal Dominant, Autosomal Recessive and X-Linked Classification Criteria (2023). Collection method: clinical testing. Allele origin: unknown.
Comment: This variant is considered benign. This variant is a silent/synonymous amino acid change and it is not expected to impact splicing.

NM_058216.3(RAD51C):c.678T>C (p.Leu226=)

Genes: RAD51C (RAD51 paralog C; plus strand), LOC129390903 (MPRA-validated peak2919 silencer; plus strand). Cytogenetic location: 17q22.
Variant type: single nucleotide variant.
Coding change: c.678T>C on transcript NM_058216.3 (MANE Select); coding-DNA position 678, T replaced by C.
Protein change: p.Leu226=; no amino-acid change (leucine 226 retained).
Molecular consequence: synonymous variant. On other transcripts: non-coding transcript variant (1).
Genome position (GRCh38, 1-based): chr17:58,703,302, T>C. VCF-style: chr17-58703302-T-C. GRCh37 (hg19) VCF-style: chr17-56780663-T-C.
Identifiers: ClinVar variation 3903731 (VCV003903731.2).